The following is an entry in ClinVar:

NM_002691.4(POLD1):c.840+4C>G

Gene: POLD1 (DNA polymerase delta 1, catalytic subunit; plus strand). Cytogenetic location: 19q13.33.
Variant type: single nucleotide variant.
Coding change: c.840+4C>G on transcript NM_002691.4 (MANE Select); 4 bases into the intron after coding-DNA position 840, C replaced by G.
Molecular consequence: intron variant.
Genome position (GRCh38, 1-based): chr19:50,402,539, C>G. VCF-style: chr19-50402539-C-G. GRCh37 (hg19) VCF-style: chr19-50905796-C-G.
Other names: c.840+4C>G (NM_001256849.1, NM_001308632.1, LRG_785t1 and 1 more transcripts).
Identifiers: ClinVar variation 486066 (VCV000486066.15), dbSNP rs780257283, ClinGen allele CA9595918.
Genomic context (GRCh38, chr19:50,402,539, plus strand): 5'-GGCTGCAACTGGCTGGAGCTCCCAGCTGGGAAATACGCCCTGAGGCTGAAGGAGAAGGTG[C>G]AGGGCTTCCCAGGGCAGGGCTGGGTGGGGAGCTGGTACCCTGCTGCCACCGCTGACCCAC-3'

ClinVar aggregate classification (germline): Uncertain significance. Review status: criteria provided, multiple submitters, no conflicts (2 of 4 stars). 3 submissions from 3 submitters: Uncertain significance (3). Last evaluated 2025-11-05.

Conditions:
Hereditary cancer-predisposing syndrome. Also called: Tumor predisposition; Hereditary Cancer Syndrome; Hereditary neoplastic syndrome; Neoplastic Syndromes, Hereditary. Identifiers: Orphanet 140162, MedGen C0027672, MeSH D009386, MONDO:0015356.
POLD1-related polyposis and colorectal cancer syndrome (CRCS10). Also called: Colorectal cancer 10; COLORECTAL CANCER, SUSCEPTIBILITY TO, ON CHROMOSOME 19q; Colorectal cancer, susceptibility to, 10. Identifiers: Orphanet 220460, MedGen C2675481, MONDO:0012953, OMIM 612591.

Allele frequency attached by ClinVar (database versions not stated): TOPMed below 0.00001; ExAC 0.00002.
gnomAD v4.1: 4 of 1,587,542 alleles (0.00025%); highest among the groups gnomAD compares: Non-Finnish European, 0.00034%; no homozygotes.

Submissions (3):

Labcorp Genetics (formerly Invitae), Labcorp
Classification: Uncertain significance for POLD1-related polyposis and colorectal cancer syndrome. Last evaluated: 2025-11-05. Review status: criteria provided, single submitter. Criteria: Invitae Variant Classification Sherloc (09022015). Collection method: clinical testing. Allele origin: germline.
Comment: This sequence change falls in intron 7 of the POLD1 gene. It does not directly change the encoded amino acid sequence of the POLD1 protein. It affects a nucleotide within the consensus splice site. This variant is present in population databases (rs780257283, gnomAD 0.001%). This variant has not been reported in the literature in individuals affected with POLD1-related conditions. ClinVar contains an entry for this variant (Variation ID: 486066). Variants that disrupt the consensus splice site are a relatively common cause of aberrant splicing (PMID: 17576681, 9536098). Algorithms developed to predict the effect of sequence changes on RNA splicing suggest that this variant is not likely to affect RNA splicing. In summary, the available evidence is currently insufficient to determine the role of this variant in disease. Therefore, it has been classified as a Variant of Uncertain Significance.

Ambry Genetics
Classification: Uncertain significance for Hereditary cancer-predisposing syndrome. Last evaluated: 2025-02-27. Review status: criteria provided, single submitter. Criteria: Ambry Variant Classification Scheme 2023. Collection method: clinical testing. Allele origin: germline.
Comment: The c.840+4C>G intronic variant results from a C to G substitution 4 nucleotides after coding exon 6 in the POLD1 gene. This nucleotide position is not well conserved in available vertebrate species. In silico splice site analysis predicts that this alteration will not have any significant effect on splicing. Based on the available evidence, the clinical significance of this variant remains unclear.

GeneDx
Classification: Uncertain significance. Last evaluated: 2019-06-25. Review status: criteria provided, single submitter. Criteria: GeneDx Variant Classification Process June 2021. Collection method: clinical testing. Allele origin: germline. Affected: yes.
Comment: Not observed at a significant frequency in large population cohorts (Lek 2016); Has not been previously published as pathogenic or benign to our knowledge; In-silico analysis, which includes splice predictors and evolutionary conservation, is inconclusive as to whether the variant alters gene splicing. In the absence of RNA/functional studies, the actual effect of this sequence change is unknown.

Literature cited by the submitters: PubMed 17576681 (cited by Labcorp Genetics (formerly Invitae), Labcorp); PubMed 9536098 (cited by Labcorp Genetics (formerly Invitae), Labcorp).